The following is an entry in ClinVar:

NM_133510.4(RAD51B):c.383C>A (p.Pro128His)

Gene: RAD51B (RAD51 paralog B; plus strand). Cytogenetic location: 14q24.1.
Variant type: single nucleotide variant.
Coding change: c.383C>A on transcript NM_133510.4 (MANE Select); coding-DNA position 383, C replaced by A.
Protein change: p.Pro128His; replaces proline 128 with histidine.
Molecular consequence: missense variant.
Genome position (GRCh38, 1-based): chr14:67,865,070, C>A. VCF-style: chr14-67865070-C-A. GRCh37 (hg19) VCF-style: chr14-68331787-C-A.
Other names: c.383C>A, p.Pro128His (NM_001321809.2, NM_001321810.2, NM_001321812.1 and 6 more transcripts); c.269C>A, p.Pro90His (NM_001321815.1); c.26C>A, p.Pro9His (NM_001321817.2); short protein forms P9H, P90H, P128H.
Identifiers: ClinVar variation 4575332 (VCV004575332.1).

ClinVar aggregate classification (germline): Uncertain significance (1 of 4 stars; one submission).

gnomAD v4.1: 3 of 1,578,554 alleles (0.00019%); highest among the groups gnomAD compares: Non-Finnish European, 0.00026%; no homozygotes.

Submission:

Ambry Genetics
Classification: Uncertain significance. Last evaluated: 2025-12-04. Review status: criteria provided, single submitter. Criteria: Ambry Variant Classification Scheme 2023. Collection method: clinical testing. Allele origin: germline.
Comment: The p.P128H variant (also known as c.383C>A), located in coding exon 4 of the RAD51B gene, results from a C to A substitution at nucleotide position 383. The proline at codon 128 is replaced by histidine, an amino acid with similar properties. This amino acid position is conserved. In addition, this alteration is predicted to be deleterious by in silico analysis. Based on the available evidence, the clinical significance of this variant remains unclear.